The following is an entry in ClinVar:

NM_001127464.1:c.3258delG

Gene: ZNF469 (zinc finger protein 469; plus strand).
Variant type: Deletion.
Identifiers: ClinVar variation 4842238 (VCV004842238.1).

ClinVar aggregate classification (germline): Pathogenic (1 of 4 stars; one submission).

Conditions:
Cardiovascular phenotype. Identifiers: MedGen CN230736.

Submission:

Ambry Genetics
Classification: Pathogenic for Cardiovascular phenotype. Last evaluated: 2025-12-22. Review status: criteria provided, single submitter. Criteria: Ambry Variant Classification Scheme 2023. Collection method: clinical testing. Allele origin: germline.
Comment: The c.3258delG variant, located in coding exon 2 of the ZNF469 gene, results from a deletion of one nucleotide at nucleotide position 3258, causing a translational frameshift with a predicted alternate stop codon (p.R1087Gfs*12). This alteration occurs at the 3' terminus of the gene, is not expected to trigger nonsense-mediated mRNA decay, and impacts the last 72% of the protein. However, premature stop codons are typically deleterious in nature and a significant portion of the protein is affected (Ambry internal data). This variant is considered to be rare based on population cohorts in the Genome Aggregation Database (gnomAD). As such, this alteration is interpreted as a disease-causing mutation.